The following is an entry in ClinVar:

NM_001330260.2(SCN8A):c.5555_5557del (p.Thr1852del)

Gene: SCN8A (sodium voltage-gated channel alpha subunit 8; plus strand). Cytogenetic location: 12q13.13.
Variant type: Deletion.
Coding change: c.5555_5557del on transcript NM_001330260.2 (MANE Select); coding-DNA positions 5555 to 5557, 3 bases deleted (CCA; older notation c.5555_5557delCCA).
Protein change: p.Thr1852del; deletes threonine 1852.
Genome position (GRCh38, 1-based): chr12:51,807,041-51,807,043, CCA deleted; deleting any 3 consecutive bases within chr12:51,807,039-51,807,043 gives the same sequence; the c. name uses the placement nearest the transcript's 3' end. VCF-style (leftmost placement, unchanged base first): chr12-51807038-TCAC-T. GRCh37 (hg19) VCF-style: chr12-52200822-TCAC-T.
Other names: c.5432_5434del, p.Thr1811del (NM_001177984.3, NM_001369788.1); c.5555_5557del, p.Thr1852del (NM_014191.4); short protein forms T1811del, T1852del.
Identifiers: ClinVar variation 3897633 (VCV003897633.1).
Genomic context (GRCh38, chr12:51,807,038, plus strand): 5'-CTATGGATCTGCCAATGGTGAGCGGGGATCGCATCCACTGCTTGGACATCCTTTTTGCCT[TCAC>T]CAAGCGGGTCCTGGGAGATAGCGGGGAGTTGGACATCCTGCGGCAGCAGATGGAAGAGCG-3'

ClinVar aggregate classification (germline): Likely pathogenic (1 of 4 stars; one submission).

Conditions:
Cognitive impairment with or without cerebellar ataxia (CIAT). Identifiers: MedGen C3280415, MONDO:0013680, OMIM 614306.

Submission:

Genetics Laboratory, UDIAT-Centre Diagnòstic, Hospital Universitari Parc Tauli
Classification: Likely pathogenic for cognitive impairment with or without cerebellar ataxia. Last evaluated: 2024-09-18. Review status: criteria provided, single submitter. Criteria: ACMG Guidelines, 2015. Collection method: clinical testing. Allele origin: unknown. Inheritance: Autosomal dominant inheritance. Affected: yes.
Comment: PM2_supporting;PM4_moderate;PM6_moderate;PP3_supporting